The following is an entry in ClinVar:

ClinVar aggregate classification (germline): Likely pathogenic (1 of 4 stars; one submission).

Conditions:
Autosomal recessive limb-girdle muscular dystrophy. Identifiers: Orphanet 102015, MedGen C2931907, MONDO:0015152.

gnomAD v4.1: 6 of 1,613,484 alleles (0.00037%); highest among the groups gnomAD compares: Non-Finnish European, 0.00051%; no homozygotes.

Submission:

Women's Health and Genetics/Laboratory Corporation of America, LabCorp
Classification: Likely pathogenic for Autosomal recessive limb-girdle muscular dystrophy. Last evaluated: 2025-07-23. Review status: criteria provided, single submitter. Criteria: LabCorp Variant Classification Summary - May 2015. Collection method: clinical testing. Allele origin: germline.
Comment: Variant summary: SGCB c.543C>G (p.Ser181Arg) results in a non-conservative amino acid change in the encoded protein sequence. Algorithms developed to predict the effect of missense changes on protein structure and function all suggest that this variant is likely to be disruptive. The variant was absent in 251424 control chromosomes (gnomAD). c.543C>G has been observed in individuals affected with Limb-Girdle Muscular Dystrophy, Autosomal Recessive (Semplicini_2015). These data indicate that the variant may be associated with disease. At least one publication reports experimental evidence evaluating an impact on SGC cell surface localization, finding that the variant effect is non-functional (Li_2023). The following publications have been ascertained in the context of this evaluation (PMID: 25862795, 37317968). No submitters have cited clinical-significance assessments for this variant to ClinVar. Based on the evidence outlined above, the variant was classified as likely pathogenic.

Literature cited by the submitters: PubMed 25862795; PubMed 37317968.

NM_000232.5(SGCB):c.543C>G (p.Ser181Arg)

Gene: SGCB (sarcoglycan beta; minus strand). Cytogenetic location: 4q12.
Variant type: single nucleotide variant.
Coding change: c.543C>G on transcript NM_000232.5 (MANE Select); coding-DNA position 543, C replaced by G.
Protein change: p.Ser181Arg; replaces serine 181 with arginine.
Molecular consequence: missense variant.
Genome position (GRCh38, 1-based): chr4:52,028,808, G>C on the plus strand (C>G on the coding strand, the complement: SGCB is on the minus strand). VCF-style: chr4-52028808-G-C. GRCh37 (hg19) VCF-style: chr4-52894974-G-C.
Other names: c.333C>G, p.Ser111Arg (NM_001440519.1); c.246C>G, p.Ser82Arg (NM_001440520.1); short protein forms S181R, S111R, S82R.
Identifiers: ClinVar variation 4526261 (VCV004526261.1).